The following is an entry in ClinVar:

ClinVar aggregate classification (germline): Uncertain significance (1 of 4 stars; one submission).

Submission:

GeneDx
Classification: Uncertain significance. Last evaluated: 2019-09-16. Review status: criteria provided, single submitter. Criteria: GeneDx Variant Classification Process June 2021. Collection method: clinical testing. Allele origin: germline. Affected: yes.
Comment: Not observed in large population cohorts (Lek et al., 2016); In silico analysis, which includes protein predictors and evolutionary conservation, supports a deleterious effect; Has not been previously published as pathogenic or benign to our knowledge; Variants in candidate genes are classified as variants of uncertain significance in accordance with ACMG guidelines (Richards et al., 2015)

NM_004699.4(FAM50A):c.629G>T (p.Gly210Val)

Gene: FAM50A (family with sequence similarity 50 member A; plus strand). Cytogenetic location: Xq28.
Variant type: single nucleotide variant.
Coding change: c.629G>T on transcript NM_004699.4 (MANE Select); coding-DNA position 629, G replaced by T.
Protein change: p.Gly210Val; replaces glycine 210 with valine.
Molecular consequence: missense variant.
Genome position (GRCh38, 1-based): chrX:154,448,935, G>T. VCF-style: chrX-154448935-G-T. GRCh37 (hg19) VCF-style: chrX-153677283-G-T.
Other names: short protein forms G210V.
Identifiers: ClinVar variation 1316741 (VCV001316741.2), dbSNP rs2148233297, ClinGen allele CA415217905.